The following is an entry in ClinVar:

NM_144997.7(FLCN):c.911C>G (p.Ala304Gly)

Gene: FLCN (folliculin; minus strand). Cytogenetic location: 17p11.2.
Variant type: single nucleotide variant.
Coding change: c.911C>G on transcript NM_144997.7 (MANE Select); coding-DNA position 911, C replaced by G.
Protein change: p.Ala304Gly; replaces alanine 304 with glycine.
Molecular consequence: missense variant.
Genome position (GRCh38, 1-based): chr17:17,219,170, G>C on the plus strand (C>G on the coding strand, the complement: FLCN is on the minus strand). VCF-style: chr17-17219170-G-C. GRCh37 (hg19) VCF-style: chr17-17122484-G-C.
Other names: c.965C>G, p.Ala322Gly (NM_001353229.2); c.911C>G, p.Ala304Gly (NM_001353230.2, NM_001353231.2); short protein forms A304G, A322G.
Identifiers: ClinVar variation 1765867 (VCV001765867.2), dbSNP rs2047014907, ClinGen allele CA398533023.

ClinVar aggregate classification (germline): Uncertain significance (1 of 4 stars; one submission).

Conditions:
Hereditary cancer-predisposing syndrome. Also called: Neoplastic Syndromes, Hereditary; Tumor predisposition; Hereditary Cancer Syndrome; Hereditary neoplastic syndrome. Identifiers: Orphanet 140162, MedGen C0027672, MeSH D009386, MONDO:0015356.

Submission:

Ambry Genetics
Classification: Uncertain significance for Hereditary cancer-predisposing syndrome. Last evaluated: 2022-10-17. Review status: criteria provided, single submitter. Criteria: Ambry Variant Classification Scheme 2023. Collection method: clinical testing. Allele origin: germline.
Comment: The p.A304G variant (also known as c.911C>G), located in coding exon 6 of the FLCN gene, results from a C to G substitution at nucleotide position 911. The alanine at codon 304 is replaced by glycine, an amino acid with similar properties. This amino acid position is poorly conserved in available vertebrate species. In addition, this alteration is predicted to be tolerated by in silico analysis. Since supporting evidence is limited at this time, the clinical significance of this alteration remains unclear.